The following is an entry in ClinVar:

NM_004385.5(VCAN):c.8608G>A (p.Val2870Ile)

Genes: VCAN (versican; plus strand), VCAN-AS1 (VCAN antisense RNA 1; minus strand). Cytogenetic location: 5q14.3.
Variant type: single nucleotide variant.
Coding change: c.8608G>A on transcript NM_004385.5 (MANE Select); coding-DNA position 8608, G replaced by A.
Protein change: p.Val2870Ile; replaces valine 2870 with isoleucine.
Molecular consequence: missense variant. On other transcripts: intron variant (2).
Genome position (GRCh38, 1-based): chr5:83,541,611, G>A. VCF-style: chr5-83541611-G-A. GRCh37 (hg19) VCF-style: chr5-82837430-G-A.
Other names: c.5647G>A, p.Val1883Ile (NM_001164097.2); c.4004-3926G>A (NM_001164098.2); c.1043-3926G>A (NM_001126336.3); short protein forms V1883I, V2870I.
Identifiers: ClinVar variation 2255476 (VCV002255476.3), dbSNP rs2479124181, ClinGen allele CA360293781.

ClinVar aggregate classification (germline): Uncertain significance. Review status: criteria provided, multiple submitters, no conflicts (2 of 4 stars). 2 submissions from 2 submitters: Uncertain significance (2). Last evaluated 2025-03-06.

Conditions:
Inborn genetic diseases. Identifiers: MedGen C0950123, MeSH D030342.

Submissions (2):

Labcorp Genetics (formerly Invitae), Labcorp
Classification: Uncertain significance. Last evaluated: 2025-03-06. Review status: criteria provided, single submitter. Criteria: Invitae Variant Classification Sherloc (09022015). Collection method: clinical testing. Allele origin: germline.
Comment: This sequence change replaces valine, which is neutral and non-polar, with isoleucine, which is neutral and non-polar, at codon 2870 of the VCAN protein (p.Val2870Ile). This variant is not present in population databases (gnomAD no frequency). This variant has not been reported in the literature in individuals affected with VCAN-related conditions. ClinVar contains an entry for this variant (Variation ID: 2255476). An algorithm developed to predict the effect of missense changes on protein structure and function (PolyPhen-2) suggests that this variant is likely to be tolerated. In summary, the available evidence is currently insufficient to determine the role of this variant in disease. Therefore, it has been classified as a Variant of Uncertain Significance.

Ambry Genetics
Classification: Uncertain significance for Inborn genetic diseases. Last evaluated: 2021-10-14. Review status: criteria provided, single submitter. Criteria: Ambry Variant Classification Scheme 2023. Collection method: clinical testing. Allele origin: germline.